The following is an entry in ClinVar:

NM_014363.6(SACS):c.1023G>C (p.Leu341=)

Gene: SACS (sacsin molecular chaperone; minus strand). Cytogenetic location: 13q12.12.
Variant type: single nucleotide variant.
Coding change: c.1023G>C on transcript NM_014363.6 (MANE Select); coding-DNA position 1023, G replaced by C.
Protein change: p.Leu341=; no amino-acid change (leucine 341 retained).
Molecular consequence: synonymous variant.
Genome position (GRCh38, 1-based): chr13:23,355,589, C>G on the plus strand (G>C on the coding strand, the complement: SACS is on the minus strand). VCF-style: chr13-23355589-C-G. GRCh37 (hg19) VCF-style: chr13-23929728-C-G.
Other names: c.582G>C, p.Leu194= (NM_001278055.2).
Identifiers: ClinVar variation 3057806 (VCV003057806.2), dbSNP rs2542400568, ClinGen allele CA483164575.

ClinVar aggregate classification (germline): Likely benign (0 of 4 stars; one submission).

Conditions:
SACS-related disorder. Also called: SACS-related condition.

Submission:

PreventionGenetics, part of Exact Sciences
Classification: Likely benign for SACS-related condition. Last evaluated: 2019-04-08. Review status: no assertion criteria provided. Collection method: clinical testing. Allele origin: germline.
Comment: This variant is classified as likely benign based on ACMG/AMP sequence variant interpretation guidelines (Richards et al. 2015 PMID: 25741868, with internal and published modifications).